The following is an entry in ClinVar:

NM_000088.4(COL1A1):c.3419C>T (p.Pro1140Leu)

Gene: COL1A1 (collagen type I alpha 1 chain; minus strand). Cytogenetic location: 17q21.33.
Variant type: single nucleotide variant.
Coding change: c.3419C>T on transcript NM_000088.4 (MANE Select); coding-DNA position 3419, C replaced by T.
Protein change: p.Pro1140Leu; replaces proline 1140 with leucine.
Molecular consequence: missense variant.
Genome position (GRCh38, 1-based): chr17:50,187,488, G>A on the plus strand (C>T on the coding strand, the complement: COL1A1 is on the minus strand). VCF-style: chr17-50187488-G-A. GRCh37 (hg19) VCF-style: chr17-48264849-G-A.
Other names: short protein forms P1140L.
Identifiers: ClinVar variation 1060972 (VCV001060972.9), dbSNP rs2144540571, ClinGen allele CA400199163.
Genomic context (GRCh38, chr17:50,187,488, plus strand): 5'-CCCGAGGTGAGCCTGGGCTTGGGGCTCAGGAAGAGGAGAGAGAAGGCATGACTTACTCGG[G>A]GACCAGCAGGACCAGAGGCTCCAGAGGGACCTTGTTCACCAGGAGAGCCCTGAAGGACAG-3'
Protein context (NP_000079.2, residues 1130-1150): GPSGASGPAG[Pro1140Leu]RGPPGSAGAP

ClinVar aggregate classification (germline): Uncertain significance (1 of 4 stars; one submission).

Conditions:
Osteogenesis imperfecta type I (OI1). Also called: Lobstein disease; OI, TYPE I; OSTEOGENESIS IMPERFECTA TARDA; OSTEOGENESIS IMPERFECTA WITH BLUE SCLERAE; Osteogenesis imperfecta type 1; Lobstein's Disease. Identifiers: Orphanet 216796, Orphanet 666, MedGen C0023931, MONDO:0008146, OMIM 166200. Disease mechanism: loss of function.

Allele frequency attached by ClinVar (database versions not stated): gnomAD exomes below 0.00001.
gnomAD v4.1: 2 of 1,614,026 alleles (0.00012%); highest among the groups gnomAD compares: Non-Finnish European, 0.00017%; no homozygotes.

Submission:

Labcorp Genetics (formerly Invitae), Labcorp
Classification: Uncertain significance for Osteogenesis imperfecta type I. Last evaluated: 2024-02-02. Review status: criteria provided, single submitter. Criteria: Invitae Variant Classification Sherloc (09022015). Collection method: clinical testing. Allele origin: germline.
Comment: This sequence change replaces proline, which is neutral and non-polar, with leucine, which is neutral and non-polar, at codon 1140 of the COL1A1 protein (p.Pro1140Leu). This variant is not present in population databases (gnomAD no frequency). This variant has not been reported in the literature in individuals affected with COL1A1-related conditions. ClinVar contains an entry for this variant (Variation ID: 1060972). Advanced modeling of protein sequence and biophysical properties (such as structural, functional, and spatial information, amino acid conservation, physicochemical variation, residue mobility, and thermodynamic stability) performed at Invitae indicates that this missense variant is expected to disrupt COL1A1 protein function with a positive predictive value of 95%. In summary, the available evidence is currently insufficient to determine the role of this variant in disease. Therefore, it has been classified as a Variant of Uncertain Significance.